The following is an entry in ClinVar:

ClinVar aggregate classification (germline): Benign/Likely benign. Review status: criteria provided, multiple submitters, no conflicts (2 of 4 stars). 12 submissions from 12 submitters: Benign (6); Likely benign (3). 3 of the submissions do not count toward it. Last evaluated 2026-02-02.

Conditions:
Bethlem myopathy 1A. Also called: Bethlem myopathy 1; Bethlem Muscular Dystrophy; MYOPATHY, BENIGN CONGENITAL, WITH CONTRACTURES. Identifiers: Orphanet 610, MedGen CN029274, MONDO:0024530, OMIM 158810.
Myosclerosis. Also called: MYOPATHY, MYOSCLEROTIC; MYOSCLEROSIS, CONGENITAL, OF LOWENTHAL; Myosclerosis, congenital. Identifiers: Orphanet 289380, MedGen C1850671, MONDO:0009714, OMIM 255600.
Ullrich congenital muscular dystrophy 1A. Also called: Ullrich congenital muscular dystrophy 1; Intermediate COL6-RD. Identifiers: Orphanet 75840, MedGen C0410179, MONDO:0009681, OMIM 254090.
Collagen 6-related myopathy. Identifiers: MedGen CN117976, MONDO:0100225.

Allele frequency attached by ClinVar (database versions not stated): gnomAD exomes 0.00432 and 0.00177; gnomAD 0.01898 and 0.01758; ESP Exome Variant Server 0.01768; TOPMed 0.02000; ExAC 0.00489; 1000 Genomes Project 30x 0.01624; 1000 Genomes Project 0.01637.
gnomAD v4.1: 5,358 of 1,613,124 alleles (0.33%); highest among the groups gnomAD compares: African/African-American, 6.3%; 162 homozygotes.

Submissions (12):

Labcorp Genetics (formerly Invitae), Labcorp
Classification: Benign for Bethlem myopathy 1A. Last evaluated: 2026-02-02. Review status: criteria provided, single submitter. Criteria: Invitae Variant Classification Sherloc (09022015). Collection method: clinical testing. Allele origin: germline.

Fulgent Genetics
Classification: Likely benign for Bethlem myopathy 1A; Ullrich congenital muscular dystrophy 1A; Myosclerosis. Last evaluated: 2021-08-06. Review status: criteria provided, single submitter. Criteria: ACMG Guidelines, 2015. Collection method: clinical testing. Allele origin: unknown.

Mayo Clinic Laboratories, Mayo Clinic
Classification: Benign. Last evaluated: 2019-07-25. Review status: criteria provided, single submitter. Criteria: ACMG Guidelines, 2015. Collection method: clinical testing. Allele origin: germline. Observed: 10 variant alleles.

Athena Diagnostics
Classification: Benign. Last evaluated: 2017-11-14. Review status: criteria provided, single submitter. Criteria: Athena Diagnostics Criteria. Collection method: clinical testing. Allele origin: germline.

Illumina Laboratory Services, Illumina
Classification: Likely benign for Collagen VI-related myopathy. Last evaluated: 2017-04-27. Review status: criteria provided, single submitter. Criteria: ICSL Variant Classification Criteria 13 December 2019. Collection method: clinical testing. Allele origin: germline.
Comment: This variant was observed as part of a predisposition screen in an ostensibly healthy population. A literature search was performed for the gene, cDNA change, and amino acid change (where applicable). Publications were found based on this search. The evidence from the literature, in combination with allele frequency data from public databases where available, was sufficient to determine this variant is unlikely to cause disease. Therefore, this variant is classified as likely benign.

GeneDx
Classification: Benign. Last evaluated: 2016-05-18. Review status: criteria provided, single submitter. Criteria: GeneDx Variant Classification (06012015). Collection method: clinical testing. Allele origin: germline. Affected: yes.
Comment: This variant is considered likely benign or benign based on one or more of the following criteria: it is a conservative change, it occurs at a poorly conserved position in the protein, it is predicted to be benign by multiple in silico algorithms, and/or has population frequency not consistent with disease.

Eurofins Ntd Llc (ga)
Classification: Benign. Last evaluated: 2012-11-16. Review status: criteria provided, single submitter. Criteria: EGL Classification Definitions 2015. Collection method: clinical testing. Allele origin: germline. Observed: 1 variant allele, 1 heterozygote.

Breakthrough Genomics
Classification: Likely benign. Review status: criteria provided, single submitter. Criteria: ACMG Guidelines, 2015. Collection method: not provided. Allele origin: germline. Inheritance: Autosomal recessive inheritance. Affected: yes.

PreventionGenetics, part of Exact Sciences
Classification: Benign. Review status: criteria provided, single submitter. Criteria: ACMG Guidelines, 2015. Collection method: clinical testing. Allele origin: germline.

Clinical Genetics, Academic Medical Center
Classification: Benign. Review status: no assertion criteria provided. Collection method: clinical testing. Allele origin: germline. Affected: yes. Study: VKGL Data-share Consensus. Not counted in ClinVar's aggregate classification.

Genetic Services Laboratory, University of Chicago
Classification: Likely benign for AllHighlyPenetrant. Review status: no assertion criteria provided. Collection method: clinical testing. Allele origin: germline. Not counted in ClinVar's aggregate classification.
Comment: Likely benign based on allele frequency in 1000 Genomes Project or ESP global frequency and its presence in a patient with a rare or unrelated disease phenotype. NOT Sanger confirmed.

Laboratory of Diagnostic Genome Analysis, Leiden University Medical Center (LUMC)
Classification: Likely benign. Review status: no assertion criteria provided. Collection method: clinical testing. Allele origin: germline. Affected: yes. Study: VKGL Data-share Consensus. Not counted in ClinVar's aggregate classification.

Literature cited by the submitters: PubMed 23757202 (cited by Illumina Laboratory Services, Illumina).

NM_001849.4(COL6A2):c.2160C>G (p.Arg720=)

Gene: COL6A2 (collagen type VI alpha 2 chain; plus strand). Cytogenetic location: 21q22.3.
Variant type: single nucleotide variant.
Coding change: c.2160C>G on transcript NM_001849.4 (MANE Select); coding-DNA position 2160, C replaced by G.
Protein change: p.Arg720=; no amino-acid change (arginine 720 retained).
Molecular consequence: synonymous variant.
Genome position (GRCh38, 1-based): chr21:46,125,975, C>G. VCF-style: chr21-46125975-C-G. GRCh37 (hg19) VCF-style: chr21-47545889-C-G.
Other names: p.Arg720=; c.2160C>G, p.Arg720= (NM_058174.3, NM_058175.3).
Identifiers: ClinVar variation 93934 (VCV000093934.30), dbSNP rs61735829, ClinGen allele CA147465.